The following is an entry in ClinVar:

NM_001384140.1(PCDH15):c.381_390del (p.Ile128fs)

Gene: PCDH15 (protocadherin related 15; minus strand). Cytogenetic location: 10q21.1.
Variant type: Deletion.
Coding change: c.381_390del on transcript NM_001384140.1 (MANE Select); coding-DNA positions 381 to 390, 10 bases deleted (TATTATCTAC; older notation c.381_390delTATTATCTAC).
Protein change: p.Ile128fs; shifts the reading frame from isoleucine 128.
Molecular consequence: frameshift variant.
Genome position (GRCh38, 1-based): chr10:54,369,204-54,369,213, GTAGATAATA deleted on the plus strand (TATTATCTAC on the coding strand, the reverse complement: PCDH15 is on the minus strand); deleting any 10 consecutive bases within chr10:54,369,204-54,369,215 gives the same sequence; the c. name uses the placement nearest the transcript's 3' end. VCF-style (leftmost placement, unchanged base first): chr10-54369203-GGTAGATAATA-G. GRCh37 (hg19) VCF-style: chr10-56128963-GGTAGATAATA-G.
Other names: c.396_405del, p.Ile133fs (NM_001142763.2, NM_001142771.2); c.381_390del, p.Ile128fs (NM_001142764.2, NM_001142765.2, NM_001142766.2 and 8 more transcripts); c.315_324del, p.Ile106fs (NM_001142768.2, NM_001142773.2, NM_001354404.2); c.394_403delACTATTATCT, p.Ile133Metfs (NM_001142769.4); short protein forms I106fs, I128fs, I133fs.
Identifiers: ClinVar variation 5015908 (VCV005015908.1).

ClinVar aggregate classification (germline): Pathogenic (1 of 4 stars; one submission).

Conditions:
Usher syndrome type 1F (USH1F). Also called: USHER SYNDROME, TYPE IF. Identifiers: Orphanet 231169, Orphanet 886, MedGen C1865885, MONDO:0011186, OMIM 602083.

Submission:

Myriad Genetics, Inc.
Classification: Pathogenic for Usher syndrome type 1F. Last evaluated: 2026-05-13. Review status: criteria provided, single submitter. Criteria: Myriad Autosomal Dominant, Autosomal Recessive and X-Linked Classification Criteria (2023). Collection method: clinical testing. Allele origin: unknown.
Comment: NM_033056.3(PCDH15):c.381_390del10(I128Mfs*5) is expected to be pathogenic in the context of PCDH15-related disorders. This variant is predicted to lead to an abnormal or absent protein product due to the creation of a premature termination codon in PCDH15, a gene where loss-of-function variants are known to be pathogenic. Please note: this variant was assessed in the context of healthy population screening.